The following is an entry in ClinVar:

ClinVar aggregate classification (germline): Conflicting classifications of pathogenicity. Review status: criteria provided, conflicting classifications (1 of 4 stars). 2 submissions from 2 submitters: Uncertain significance (1); Likely benign (1). Last evaluated 2023-10-13.

Conditions:
CHCHD10-related disorder. Also called: CHCHD10-related condition; CHCHD10-Related Disorders. Identifiers: MedGen CN381526.
Lower motor neuron syndrome with late-adult onset (SMAJ). Also called: Spinal muscular atrophy, Jokela type; Late-Onset Spinal Motor Neuronopathy (SMAJ). Identifiers: Orphanet 276435, MedGen C3554398, MONDO:0014025, OMIM 615048.
Frontotemporal dementia and/or amyotrophic lateral sclerosis 2. Also called: FTDALS2. Identifiers: Orphanet 275872, MedGen C4014648, MONDO:0014395, OMIM 615911.
Autosomal dominant mitochondrial myopathy with exercise intolerance (IMMD). Also called: Myopathy, isolated mitochondrial, autosomal dominant. Identifiers: Orphanet 457050, MedGen C4015513, MONDO:0014532, OMIM 616209.

Allele frequency attached by ClinVar (database versions not stated): 1000 Genomes Project 30x 0.00031.
gnomAD v4.1: 7 of 1,154,092 alleles (0.00061%); highest among the groups gnomAD compares: Admixed American, 0.02%; no homozygotes.

Submissions (2):

Labcorp Genetics (formerly Invitae), Labcorp
Classification: Likely benign for Lower motor neuron syndrome with late-adult onset; Frontotemporal dementia and/or amyotrophic lateral sclerosis 2; Autosomal dominant mitochondrial myopathy with exercise intolerance. Last evaluated: 2023-10-13. Review status: criteria provided, single submitter. Criteria: Invitae Variant Classification Sherloc (09022015). Collection method: clinical testing. Allele origin: germline.

PreventionGenetics, part of Exact Sciences
Classification: Uncertain significance for CHCHD10-related condition. Last evaluated: 2022-09-02. Review status: criteria provided, single submitter. Criteria: ACMG Guidelines, 2015. Collection method: clinical testing. Allele origin: germline.
Comment: The CHCHD10 c.42-5C>G variant is predicted to interfere with splicing. This variant is predicted to weaken the canonical splicing acceptor site (Alamut Visual v2.11), however such prediction programs are imperfect. To our knowledge, this variant has not been reported in the literature or in a large population database, indicating this variant is rare. At this time, the clinical significance of this variant is uncertain due to the absence of conclusive functional and genetic evidence.

NM_213720.3(CHCHD10):c.42-5C>G

Gene: CHCHD10 (coiled-coil-helix-coiled-coil-helix domain containing 10; minus strand). Cytogenetic location: 22q11.23.
Variant type: single nucleotide variant.
Coding change: c.42-5C>G on transcript NM_213720.3 (MANE Select); 5 bases into the intron before coding-DNA position 42, C replaced by G.
Molecular consequence: intron variant.
Genome position (GRCh38, 1-based): chr22:23,767,598, G>C on the plus strand (C>G on the coding strand, the complement: CHCHD10 is on the minus strand). VCF-style: chr22-23767598-G-C. GRCh37 (hg19) VCF-style: chr22-24109785-G-C.
Other names: c.42-5C>G (NM_001301339.2, NM_213720.2).
Identifiers: ClinVar variation 1446575 (VCV001446575.8), dbSNP rs868345557, ClinGen allele CA751787945.